The following is an entry in ClinVar:

NM_001127208.3(TET2):c.4272del (p.Asp1425fs)

Genes: TET2 (tet methylcytosine dioxygenase 2; plus strand), TET2-AS1 (TET2 antisense RNA 1; minus strand). Cytogenetic location: 4q24.
Variant type: Deletion.
Coding change: c.4272del on transcript NM_001127208.3 (MANE Select); coding-DNA position 4272, one base deleted (T; older notation c.4272delT).
Protein change: p.Asp1425fs; shifts the reading frame from aspartic acid 1425.
Molecular consequence: frameshift variant.
Genome position (GRCh38, 1-based): chr4:105,272,653, T deleted. VCF-style (leftmost placement, unchanged base first): chr4-105272652-CT-C. GRCh37 (hg19) VCF-style: chr4-106193809-CT-C.
Other names: short protein forms D1425fs.
Identifiers: ClinVar variation 4765159 (VCV004765159.1).

ClinVar aggregate classification (germline): Pathogenic (1 of 4 stars; one submission).

Submission:

Labcorp Genetics (formerly Invitae), Labcorp
Classification: Pathogenic. Last evaluated: 2025-02-04. Review status: criteria provided, single submitter. Criteria: Invitae Variant Classification Sherloc (09022015). Collection method: clinical testing. Allele origin: germline.
Comment: This sequence change creates a premature translational stop signal (p.Asp1425Thrfs*23) in the TET2 gene. It is expected to result in an absent or disrupted protein product. Loss-of-function variants in TET2 are known to be pathogenic (PMID: 36066697). This variant is not present in population databases (gnomAD no frequency). This variant has not been reported in the literature in individuals affected with TET2-related conditions. For these reasons, this variant has been classified as Pathogenic.

Literature cited by the submitters: PubMed 36066697.